The following is an entry in ClinVar:

ClinVar aggregate classification (germline): Uncertain significance (1 of 4 stars; one submission).

gnomAD v4.1: 61 of 1,612,864 alleles (0.0038%); highest among the groups gnomAD compares: Non-Finnish European, 0.0051%; no homozygotes.

Submission:

Labcorp Genetics (formerly Invitae), Labcorp
Classification: Uncertain significance. Last evaluated: 2025-01-23. Review status: criteria provided, single submitter. Criteria: Invitae Variant Classification Sherloc (09022015). Collection method: clinical testing. Allele origin: germline.
Comment: This sequence change replaces lysine, which is basic and polar, with glutamine, which is neutral and polar, at codon 388 of the GCM2 protein (p.Lys388Gln). This variant is present in population databases (rs759712994, gnomAD 0.005%). This missense change has been observed in individual(s) with primary hyperparathyroidism (PMID: 29264504). Invitae Evidence Modeling of protein sequence and biophysical properties (such as structural, functional, and spatial information, amino acid conservation, physicochemical variation, residue mobility, and thermodynamic stability) indicates that this missense variant is not expected to disrupt GCM2 protein function with a negative predictive value of 80%. In summary, the available evidence is currently insufficient to determine the role of this variant in disease. Therefore, it has been classified as a Variant of Uncertain Significance.

Literature cited by the submitters: PubMed 29264504.

NM_004752.4(GCM2):c.1162A>C (p.Lys388Gln)

Gene: GCM2 (glial cells missing transcription factor 2; minus strand). Cytogenetic location: 6p24.2.
Variant type: single nucleotide variant.
Coding change: c.1162A>C on transcript NM_004752.4 (MANE Select); coding-DNA position 1162, A replaced by C.
Protein change: p.Lys388Gln; replaces lysine 388 with glutamine.
Molecular consequence: missense variant.
Genome position (GRCh38, 1-based): chr6:10,874,354, T>G on the plus strand (A>C on the coding strand, the complement: GCM2 is on the minus strand). VCF-style: chr6-10874354-T-G. GRCh37 (hg19) VCF-style: chr6-10874587-T-G.
Other names: short protein forms K388Q.
Identifiers: ClinVar variation 3709086 (VCV003709086.1).
Genomic context (GRCh38, chr6:10,874,354, plus strand): 5'-CCTCTCGCACACTGTCACTGTATTTCATAGCAGGGGGCTGGTAGGCCTGGTAGGACACTT[T>G]AGTGGTGGTGGTGATCACGGTTTGTAGGGCAGGGGCACCTGGTGGTGGAGTCGTGAGGTA-3'
Protein context (NP_004743.1, residues 378-398): ALQTVITTTT[Lys388Gln]VSYQAYQPPA